The following is an entry in ClinVar:

NM_000208.4(INSR):c.1179G>T (p.Gly393=)

Gene: INSR (insulin receptor; minus strand). Cytogenetic location: 19p13.2.
Variant type: single nucleotide variant.
Coding change: c.1179G>T on transcript NM_000208.4 (MANE Select); coding-DNA position 1179, G replaced by T.
Protein change: p.Gly393=; no amino-acid change (glycine 393 retained).
Molecular consequence: synonymous variant.
Genome position (GRCh38, 1-based): chr19:7,172,379, C>A on the plus strand (G>T on the coding strand, the complement: INSR is on the minus strand). VCF-style: chr19-7172379-C-A. GRCh37 (hg19) VCF-style: chr19-7172390-C-A.
Other names: c.1179G>T, p.Gly393= (NM_001079817.3).
Identifiers: ClinVar variation 734566 (VCV000734566.14), dbSNP rs140573575, ClinGen allele CA9135893.
Genomic context (GRCh38, chr19:7,172,379, plus strand): 5'-ACGTAACTTCCGGAAGAAGGAAAGTGACACCAGAGCGTAGGATCGGCGGATTTTTAGATA[C>A]CCTGAAATTTCTTCAATGAGGCCGAGGTTGGCTTCTAGCTCAGCTGCCAGATTGTCTAAG-3'
Protein context (NP_000199.2, residues 383-403): ANLGLIEEIS[Gly393=]YLKIRRSYAL

ClinVar aggregate classification (germline): Benign/Likely benign. Review status: criteria provided, multiple submitters, no conflicts (2 of 4 stars). 3 submissions from 3 submitters: Benign (1); Likely benign (1). 1 of the submissions does not count toward it. Last evaluated 2026-01-12.

Conditions:
INSR-related disorder.

Allele frequency attached by ClinVar (database versions not stated): TOPMed 0.00021.
gnomAD v4.1: 120 of 1,613,958 alleles (0.0074%); highest among the groups gnomAD compares: Admixed American, 0.18%; 1 homozygote.

Submissions (3):

Labcorp Genetics (formerly Invitae), Labcorp
Classification: Benign. Last evaluated: 2026-01-12. Review status: criteria provided, single submitter. Criteria: Invitae Variant Classification Sherloc (09022015). Collection method: clinical testing. Allele origin: germline.

Genetic Services Laboratory, University of Chicago
Classification: Likely benign. Last evaluated: 2020-06-01. Review status: criteria provided, single submitter. Criteria: ACMG Guidelines, 2015. Collection method: clinical testing. Allele origin: germline. Affected: no.

PreventionGenetics, part of Exact Sciences
Classification: Likely benign for INSR-related condition. Last evaluated: 2020-01-13. Review status: no assertion criteria provided. Collection method: clinical testing. Allele origin: germline. Not counted in ClinVar's aggregate classification.
Comment: This variant is classified as likely benign based on ACMG/AMP sequence variant interpretation guidelines (Richards et al. 2015 PMID: 25741868, with internal and published modifications).